The following is an entry in ClinVar:

NM_020631.6(PLEKHG5):c.620C>T (p.Ser207Leu)

Gene: PLEKHG5 (pleckstrin homology and RhoGEF domain containing G5; minus strand). Cytogenetic location: 1p36.31.
Variant type: single nucleotide variant.
Coding change: c.620C>T on transcript NM_020631.6 (MANE Select); coding-DNA position 620, C replaced by T.
Protein change: p.Ser207Leu; replaces serine 207 with leucine.
Molecular consequence: missense variant.
Genome position (GRCh38, 1-based): chr1:6,473,426, G>A on the plus strand (C>T on the coding strand, the complement: PLEKHG5 is on the minus strand). VCF-style: chr1-6473426-G-A. GRCh37 (hg19) VCF-style: chr1-6533486-G-A.
Other names: c.731C>T, p.Ser244Leu (NM_001042663.3, NM_001265592.2); c.620C>T, p.Ser207Leu (NM_001042664.2, NM_001042665.2, NM_001265594.3 and 1 more transcripts); c.827C>T, p.Ser276Leu (NM_001265593.2); short protein forms S207L, S276L, S244L.
Identifiers: ClinVar variation 297968 (VCV000297968.17), dbSNP rs572530276, ClinGen allele CA561780.
Genomic context (GRCh38, chr1:6,473,426, plus strand): 5'-GAGCAGCTGGAGGGCGTGGGGGGCTCCTGCCCGGGGATGCTCGCCTCCCCCAGGAACTCC[G>A]ACATGTTCTTGCGGCGGCGGCCAGGGGCCTGGTCAGGGAAGGGTGGTCAGGGCCGGGACC-3'
Protein context (NP_065682.2, residues 197-217): LAPGRRRKNM[Ser207Leu]EFLGEASIPG

ClinVar aggregate classification (germline): Uncertain significance. Review status: criteria provided, multiple submitters, no conflicts (2 of 4 stars). 5 submissions from 5 submitters: Uncertain significance (5). Last evaluated 2025-12-19.

Conditions:
Neuronopathy, distal hereditary motor, autosomal recessive 4. Also called: NEUROPATHY, DISTAL HEREDITARY MOTOR, AUTOSOMAL RECESSIVE 4; Autosomal recessive lower motor neuron disease with childhood onset. Identifiers: Orphanet 206580, MedGen C1970211, MONDO:0012608, OMIM 611067.
Inborn genetic diseases. Identifiers: MedGen C0950123, MeSH D030342.
PLEKHG5-related disorder. Also called: PLEKHG5-related condition.
Charcot-Marie-Tooth disease recessive intermediate C. Also called: CHARCOT-MARIE-TOOTH NEUROPATHY, RECESSIVE INTERMEDIATE C. Identifiers: Orphanet 369867, MedGen C3809309, MONDO:0014154, OMIM 615376.

Allele frequency attached by ClinVar (database versions not stated): gnomAD exomes 0.00015 and 0.00027; gnomAD 0.00026 and 0.00027; TOPMed 0.00031; ExAC 0.00035; 1000 Genomes Project 0.00120; 1000 Genomes Project 30x 0.00125.
gnomAD v4.1: 262 of 1,540,266 alleles (0.017%); highest among the groups gnomAD compares: South Asian, 0.079%; no homozygotes.

Submissions (5):

PreventionGenetics, part of Exact Sciences
Classification: Uncertain significance for PLEKHG5-related condition. Last evaluated: 2025-12-19. Review status: criteria provided, single submitter. Criteria: ACMG Guidelines, 2015. Collection method: clinical testing. Allele origin: germline.
Comment: The PLEKHG5 c.620C>T variant is predicted to result in the amino acid substitution p.Ser207Leu. To our knowledge, this variant has not been reported in the literature. This variant is reported in 0.076% of alleles in individuals of South Asian descent in gnomAD. Although we suspect that this variant may be benign, at this time, the clinical significance of this variant is uncertain due to the absence of conclusive functional and genetic evidence.

GeneDx
Classification: Uncertain significance. Last evaluated: 2025-12-09. Review status: criteria provided, single submitter. Criteria: GeneDx Variant Classification Process June 2021. Collection method: clinical testing. Allele origin: germline. Affected: yes.
Comment: In silico analysis suggests that this missense variant does not alter protein structure/function; Has not been previously published as pathogenic or benign to our knowledge

Labcorp Genetics (formerly Invitae), Labcorp
Classification: Uncertain significance for Neuronopathy, distal hereditary motor, autosomal recessive 4; Charcot-Marie-Tooth disease recessive intermediate C. Last evaluated: 2025-01-06. Review status: criteria provided, single submitter. Criteria: Invitae Variant Classification Sherloc (09022015). Collection method: clinical testing. Allele origin: germline.
Comment: This sequence change replaces serine, which is neutral and polar, with leucine, which is neutral and non-polar, at codon 207 of the PLEKHG5 protein (p.Ser207Leu). This variant is present in population databases (rs572530276, gnomAD 0.08%). This variant has not been reported in the literature in individuals affected with PLEKHG5-related conditions. ClinVar contains an entry for this variant (Variation ID: 297968). An algorithm developed to predict the effect of missense changes on protein structure and function outputs the following: PolyPhen-2: "Benign". The leucine amino acid residue is found in multiple mammalian species, which suggests that this missense change does not adversely affect protein function. In summary, the available evidence is currently insufficient to determine the role of this variant in disease. Therefore, it has been classified as a Variant of Uncertain Significance.

Ambry Genetics
Classification: Uncertain significance for Inborn genetic diseases. Last evaluated: 2024-08-01. Review status: criteria provided, single submitter. Criteria: Ambry Variant Classification Scheme 2023. Collection method: clinical testing. Allele origin: germline.

Illumina Laboratory Services, Illumina
Classification: Uncertain significance for Neuronopathy, distal hereditary motor, autosomal recessive 4. Last evaluated: 2018-01-12. Review status: criteria provided, single submitter. Criteria: ICSL Variant Classification Criteria 13 December 2019. Collection method: clinical testing. Allele origin: germline.